The following is an entry in ClinVar:

ClinVar aggregate classification (germline): Likely pathogenic. Review status: criteria provided, multiple submitters, no conflicts (2 of 4 stars). 2 submissions from 2 submitters: Likely pathogenic (2). Last evaluated 2025-10-02.

Conditions:
Familial exudative vitreoretinopathy. Identifiers: Orphanet 891, MedGen C0339539, MeSH D000080345, MONDO:0019516.

gnomAD v4.1: 9 of 1,612,796 alleles (0.00056%); highest among the groups gnomAD compares: Admixed American, 0.0017%; no homozygotes.

Submissions (2):

Women's Health and Genetics/Laboratory Corporation of America, LabCorp
Classification: Likely pathogenic for Familial exudative vitreoretinopathy. Last evaluated: 2025-10-02. Review status: criteria provided, single submitter. Criteria: LabCorp Variant Classification Summary - May 2015. Collection method: clinical testing. Allele origin: germline.
Comment: Variant summary: LRP5 c.1042C>T (p.Arg348Trp) results in a non-conservative amino acid change in the encoded protein sequence. Algorithms developed to predict the effect of missense changes on protein structure and function all suggest that this variant is likely to be disruptive. The variant allele was found at a frequency of 4e-06 in 249698 control chromosomes. c.1042C>T has been observed in individuals affected with Familial Exudative Vitreoretinopathy (Ai_2005, Salvo_2015, Zhang_2016, Mancini_2024). These data indicate that the variant may be associated with disease. At least one publication reports experimental evidence evaluating an impact on protein function and this variant affected the LRP5 protein function (Zhang_2016). The following publications have been ascertained in the context of this evaluation (PMID: 16252235, 39316135, 25711638, 27228167). ClinVar contains an entry for this variant (Variation ID: 3721066). Based on the evidence outlined above, the variant was classified as likely pathogenic.

Labcorp Genetics (formerly Invitae), Labcorp
Classification: Likely pathogenic. Last evaluated: 2024-05-31. Review status: criteria provided, single submitter. Criteria: Invitae Variant Classification Sherloc (09022015). Collection method: clinical testing. Allele origin: germline.
Comment: This sequence change replaces arginine, which is basic and polar, with tryptophan, which is neutral and slightly polar, at codon 348 of the LRP5 protein (p.Arg348Trp). This variant is present in population databases (no rsID available, gnomAD 0.003%). This missense change has been observed in individual(s) with autosomal dominant familial exudative vitreoretinopathy (PMID: 16252235, 25711638, 27228167). It has also been observed to segregate with disease in related individuals. Advanced modeling of protein sequence and biophysical properties (such as structural, functional, and spatial information, amino acid conservation, physicochemical variation, residue mobility, and thermodynamic stability) performed at Invitae indicates that this missense variant is expected to disrupt LRP5 protein function with a positive predictive value of 95%. Experimental studies have shown that this missense change affects LRP5 function (PMID: 27228167). This variant disrupts the p.Arg348 amino acid residue in LRP5. Other variant(s) that disrupt this residue have been observed in individuals with LRP5-related conditions (PMID: 27228167, 31237656), which suggests that this may be a clinically significant amino acid residue. In summary, the currently available evidence indicates that the variant is pathogenic, but additional data are needed to prove that conclusively. Therefore, this variant has been classified as Likely Pathogenic.

Literature cited by the submitters: PubMed 16252235 (cited by Women's Health and Genetics/Laboratory Corporation of America, LabCorp and Labcorp Genetics (formerly Invitae), Labcorp); PubMed 25711638 (cited by Women's Health and Genetics/Laboratory Corporation of America, LabCorp and Labcorp Genetics (formerly Invitae), Labcorp); PubMed 39316135 (cited by Women's Health and Genetics/Laboratory Corporation of America, LabCorp); PubMed 27228167 (cited by Women's Health and Genetics/Laboratory Corporation of America, LabCorp and Labcorp Genetics (formerly Invitae), Labcorp); PubMed 31237656 (cited by Labcorp Genetics (formerly Invitae), Labcorp).

NM_002335.4(LRP5):c.1042C>T (p.Arg348Trp)

Gene: LRP5 (LDL receptor related protein 5; plus strand). Cytogenetic location: 11q13.2.
Variant type: single nucleotide variant.
Coding change: c.1042C>T on transcript NM_002335.4 (MANE Select); coding-DNA position 1042, C replaced by T.
Protein change: p.Arg348Trp; replaces arginine 348 with tryptophan.
Molecular consequence: missense variant. On other transcripts: 5 prime UTR variant (1).
Genome position (GRCh38, 1-based): chr11:68,386,342, C>T. VCF-style: chr11-68386342-C-T. GRCh37 (hg19) VCF-style: chr11-68153810-C-T.
Other names: c.-724C>T (NM_001291902.2); short protein forms R348W.
Identifiers: ClinVar variation 3721066 (VCV003721066.3).
Genomic context (GRCh38, chr11:68,386,342, plus strand): 5'-TTGACCCCTGACCCCATTGCACCTGTCTCCACAGGAGCCGAGGAGGTGCTGCTGCTGGCC[C>T]GGCGGACGGACCTACGGAGGATCTCGCTGGACACGCCGGACTTCACCGACATCGTGCTGC-3'
Protein context (NP_002326.2, residues 338-358): AGAEEVLLLA[Arg348Trp]RTDLRRISLD